The following is an entry in ClinVar:

NM_000297.4(PKD2):c.1148T>C (p.Ile383Thr)

Gene: PKD2 (polycystin 2, transient receptor potential cation channel; plus strand). Cytogenetic location: 4q22.1.
Variant type: single nucleotide variant.
Coding change: c.1148T>C on transcript NM_000297.4 (MANE Select); coding-DNA position 1148, T replaced by C.
Protein change: p.Ile383Thr; replaces isoleucine 383 with threonine.
Molecular consequence: missense variant. On other transcripts: non-coding transcript variant (1).
Genome position (GRCh38, 1-based): chr4:88,043,286, T>C. VCF-style: chr4-88043286-T-C. GRCh37 (hg19) VCF-style: chr4-88964438-T-C.
Other names: short protein forms I383T.
Identifiers: ClinVar variation 350021 (VCV000350021.8), dbSNP rs144431856, ClinGen allele CA3003898.

ClinVar aggregate classification (germline): Uncertain significance. Review status: criteria provided, multiple submitters, no conflicts (2 of 4 stars). 4 submissions from 4 submitters: Uncertain significance (4). Last evaluated 2025-09-10.

Conditions:
Autosomal dominant polycystic kidney disease. Identifiers: Orphanet 730, MedGen C0085413, MONDO:0004691.
Polycystic kidney disease 2 (PKD2). Also called: Polycystic Kidney Disease 2, Autosomal Dominant; POLYCYSTIC KIDNEY DISEASE, ADULT, TYPE II; POLYCYSTIC KIDNEY DISEASE 2 WITH OR WITHOUT POLYCYSTIC LIVER DISEASE. Identifiers: MedGen C2751306, MONDO:0013131, OMIM 613095.
PKD2-related disorder. Also called: PKD2-related condition.

Allele frequency attached by ClinVar (database versions not stated): ExAC 0.00001; gnomAD 0.00001; gnomAD exomes 0.00001; TOPMed 0.00001; ESP Exome Variant Server 0.00008.
gnomAD v4.1: 17 of 1,613,662 alleles (0.0011%); highest among the groups gnomAD compares: African/African-American, 0.0027%; no homozygotes.

Submissions (4):

Labcorp Genetics (formerly Invitae), Labcorp
Classification: Uncertain significance for Autosomal dominant polycystic kidney disease. Last evaluated: 2025-09-10. Review status: criteria provided, single submitter. Criteria: Invitae Variant Classification Sherloc (09022015). Collection method: clinical testing. Allele origin: germline.
Comment: This sequence change replaces isoleucine, which is neutral and non-polar, with threonine, which is neutral and polar, at codon 383 of the PKD2 protein (p.Ile383Thr). This variant is present in population databases (rs144431856, gnomAD 0.008%). This variant has not been reported in the literature in individuals affected with PKD2-related conditions. ClinVar contains an entry for this variant (Variation ID: 350021). Invitae Evidence Modeling of protein sequence and biophysical properties (such as structural, functional, and spatial information, amino acid conservation, physicochemical variation, residue mobility, and thermodynamic stability) indicates that this missense variant is not expected to disrupt PKD2 protein function with a negative predictive value of 80%. In summary, the available evidence is currently insufficient to determine the role of this variant in disease. Therefore, it has been classified as a Variant of Uncertain Significance.

PreventionGenetics, part of Exact Sciences
Classification: Uncertain significance for PKD2-related condition. Last evaluated: 2022-10-18. Review status: criteria provided, single submitter. Criteria: ACMG Guidelines, 2015. Collection method: clinical testing. Allele origin: germline.
Comment: The PKD2 c.1148T>C variant is predicted to result in the amino acid substitution p.Ile383Thr. To our knowledge, this variant has not been reported in the literature. This variant is reported in 0.0080% of alleles in individuals of African descent in gnomAD. At this time, the clinical significance of this variant is uncertain due to the absence of conclusive functional and genetic evidence.

Fulgent Genetics
Classification: Uncertain significance for Polycystic kidney disease 2. Last evaluated: 2021-12-16. Review status: criteria provided, single submitter. Criteria: ACMG Guidelines, 2015. Collection method: clinical testing. Allele origin: unknown.

Illumina Laboratory Services, Illumina
Classification: Uncertain significance for Polycystic kidney disease 2. Last evaluated: 2018-01-13. Review status: criteria provided, single submitter. Criteria: ICSL Variant Classification Criteria 13 December 2019. Collection method: clinical testing. Allele origin: germline.